The following is an entry in ClinVar:

ClinVar aggregate classification (germline): Likely benign. Review status: criteria provided, multiple submitters, no conflicts (2 of 4 stars). 6 submissions from 6 submitters: Likely benign (6). Last evaluated 2026-02-03.

Conditions:
Hereditary cancer-predisposing syndrome. Also called: Neoplastic Syndromes, Hereditary; Hereditary neoplastic syndrome; Tumor predisposition; Hereditary Cancer Syndrome. Identifiers: Orphanet 140162, MedGen C0027672, MeSH D009386, MONDO:0015356.

Allele frequency attached by ClinVar (database versions not stated): TOPMed 0.00006.
gnomAD v4.1: 76 of 1,611,746 alleles (0.0047%); highest among the groups gnomAD compares: East Asian, 0.0089%; 1 homozygote.

Submissions (6):

Labcorp Genetics (formerly Invitae), Labcorp
Classification: Likely benign. Last evaluated: 2026-02-03. Review status: criteria provided, single submitter. Criteria: Invitae Variant Classification Sherloc (09022015). Collection method: clinical testing. Allele origin: germline.

Center for Genomic Medicine, Rigshospitalet, Copenhagen University Hospital
Classification: Likely benign. Last evaluated: 2025-03-04. Review status: criteria provided, single submitter. Criteria: ACMG Guidelines, 2015. Collection method: clinical testing. Allele origin: germline.

Blueprint Genetics
Classification: Likely benign. Last evaluated: 2024-07-15. Review status: criteria provided, single submitter. Criteria: ACMG Guidelines, 2015. Collection method: clinical testing. Allele origin: germline.

CeGaT Center for Human Genetics Tuebingen
Classification: Likely benign. Last evaluated: 2021-11-01. Review status: criteria provided, single submitter. Criteria: CeGaT Center For Human Genetics Tuebingen Variant Classification Criteria Version 2. Collection method: clinical testing. Allele origin: germline. Affected: yes. Observed: 1 variant allele.

GeneDx
Classification: Likely benign. Last evaluated: 2016-10-20. Review status: criteria provided, single submitter. Criteria: GeneDx Variant Classification (06012015). Collection method: clinical testing. Allele origin: germline. Affected: yes.
Comment: This variant is considered likely benign or benign based on one or more of the following criteria: it is a conservative change, it occurs at a poorly conserved position in the protein, it is predicted to be benign by multiple in silico algorithms, and/or has population frequency not consistent with disease.

Ambry Genetics
Classification: Likely benign for Hereditary cancer-predisposing syndrome. Last evaluated: 2015-07-20. Review status: criteria provided, single submitter. Criteria: Ambry Variant Classification Scheme 2023. Collection method: clinical testing. Allele origin: germline.

NM_006231.4(POLE):c.3252C>T (p.Pro1084=)

Gene: POLE (DNA polymerase epsilon, catalytic subunit; minus strand). Cytogenetic location: 12q24.33.
Variant type: single nucleotide variant.
Coding change: c.3252C>T on transcript NM_006231.4 (MANE Select); coding-DNA position 3252, C replaced by T.
Protein change: p.Pro1084=; no amino-acid change (proline 1084 retained).
Molecular consequence: synonymous variant.
Genome position (GRCh38, 1-based): chr12:132,659,318, G>A on the plus strand (C>T on the coding strand, the complement: POLE is on the minus strand). VCF-style: chr12-132659318-G-A. GRCh37 (hg19) VCF-style: chr12-133235904-G-A.
Identifiers: ClinVar variation 385423 (VCV000385423.51), dbSNP rs556962209, ClinGen allele CA6893326.